The following is an entry in ClinVar:

NM_000059.4(BRCA2):c.7523G>A (p.Gly2508Asp)

Gene: BRCA2 (BRCA2 DNA repair associated; plus strand). Cytogenetic location: 13q13.1.
Variant type: single nucleotide variant.
Coding change: c.7523G>A on transcript NM_000059.4 (MANE Select); coding-DNA position 7523, G replaced by A.
Protein change: p.Gly2508Asp; replaces glycine 2508 with aspartic acid.
Molecular consequence: missense variant.
Genome position (GRCh38, 1-based): chr13:32,356,515, G>A. VCF-style: chr13-32356515-G-A. GRCh37 (hg19) VCF-style: chr13-32930652-G-A.
Other names: p.G2508D:GGC>GAC; short protein forms G2508D.
Identifiers: ClinVar variation 182241 (VCV000182241.19), dbSNP rs730881557, ClinGen allele CA025131.

ClinVar aggregate classification (germline): Uncertain significance. Review status: criteria provided, multiple submitters, no conflicts (2 of 4 stars). 5 submissions from 5 submitters: Uncertain significance (5). Last evaluated 2024-03-01.

Conditions:
Hereditary cancer-predisposing syndrome. Also called: Tumor predisposition; Hereditary Cancer Syndrome; Hereditary neoplastic syndrome; Neoplastic Syndromes, Hereditary. Identifiers: Orphanet 140162, MedGen C0027672, MeSH D009386, MONDO:0015356.
Hereditary breast ovarian cancer syndrome. Also called: Breast and ovarian cancer; Hereditary breast and ovarian cancer; Hereditary breast and/or ovarian cancer syndrome; BRCA1- and BRCA2-Associated Hereditary Breast and Ovarian Cancer; Hereditary breast and ovarian cancer syndrome (HBOC); Hereditary breast and ovarian cancer syndrome. Identifiers: Orphanet 145, MedGen C0677776, MeSH D061325, MONDO:0003582. Disease mechanism: loss of function.

Allele frequency attached by ClinVar (database versions not stated): gnomAD exomes below 0.00001.
gnomAD v4.1: 2 of 1,614,164 alleles (0.00012%); highest among the groups gnomAD compares: Non-Finnish European, 0.00017%; no homozygotes.

Submissions (5):

Labcorp Genetics (formerly Invitae), Labcorp
Classification: Uncertain significance for Hereditary breast ovarian cancer syndrome. Last evaluated: 2024-03-01. Review status: criteria provided, single submitter. Criteria: Invitae Variant Classification Sherloc (09022015). Collection method: clinical testing. Allele origin: germline.
Comment: This sequence change replaces glycine, which is neutral and non-polar, with aspartic acid, which is acidic and polar, at codon 2508 of the BRCA2 protein (p.Gly2508Asp). This variant is not present in population databases (gnomAD no frequency). This variant has not been reported in the literature in individuals affected with BRCA2-related conditions. ClinVar contains an entry for this variant (Variation ID: 182241). Advanced modeling of protein sequence and biophysical properties (such as structural, functional, and spatial information, amino acid conservation, physicochemical variation, residue mobility, and thermodynamic stability) has been performed at Invitae for this missense variant, however the output from this modeling did not meet the statistical confidence thresholds required to predict the impact of this variant on BRCA2 protein function. In summary, the available evidence is currently insufficient to determine the role of this variant in disease. Therefore, it has been classified as a Variant of Uncertain Significance.

Ambry Genetics
Classification: Uncertain significance for Hereditary cancer-predisposing syndrome. Last evaluated: 2022-01-04. Review status: criteria provided, single submitter. Criteria: Ambry Variant Classification Scheme 2023. Collection method: clinical testing. Allele origin: germline.
Comment: The p.G2508D variant (also known as c.7523G>A), located in coding exon 14 of the BRCA2 gene, results from a G to A substitution at nucleotide position 7523. The glycine at codon 2508 is replaced by aspartic acid, an amino acid with similar properties. This alteration was non-functional in a homology directed DNA repair assay (Ambry internal data). This amino acid position is highly conserved in available vertebrate species. In addition, this alteration is predicted to be deleterious by in silico analysis. Since supporting evidence is limited at this time, the clinical significance of this alteration remains unclear.

Color Diagnostics, LLC DBA Color Health
Classification: Uncertain significance for Hereditary cancer-predisposing syndrome. Last evaluated: 2019-03-27. Review status: criteria provided, single submitter. Criteria: ACMG Guidelines, 2015. Collection method: clinical testing. Allele origin: germline.

Quest Diagnostics Nichols Institute San Juan Capistrano
Classification: Uncertain significance. Last evaluated: 2019-02-08. Review status: criteria provided, single submitter. Criteria: Quest Diagnostics criteria. Collection method: clinical testing. Allele origin: germline.

GeneDx
Classification: Uncertain significance. Last evaluated: 2014-09-03. Review status: criteria provided, single submitter. Criteria: GeneDx Variant Classification (06012015). Collection method: clinical testing. Allele origin: germline. Affected: yes.
Comment: This variant is denoted BRCA2 c.7523G>A at the cDNA level, p.Gly2508Asp (G2508D) at the protein level, and results in the change of a Glycine to an Aspartic Acid (GGC>GAC). This variant has not, to our knowledge, been published in the literature as pathogenic or benign. BRCA2 Gly2508Asp was not observed in approximately 6,500 individuals of European and African American ancestry in the NHLBI Exome Sequencing Project, indicating it is not a common benign variant in these populations. Since Glycine and Aspartic Acid differ in polarity, charge, size or other properties, this is considered a non-conservative amino acid substitution. BRCA2 Gly2508Asp occurs at a position that is highly conserved across species and is located within the region of interaction with FANCD2 and within the DNA binding domain (UniProt, Borg 2010). In silico analyses predict that this variant is probably damaging to protein structure and function. Based on currently available information, it is unclear whether BRCA2 Gly2508Asp is pathogenic or benign. We consider it to be a variant of uncertain significance.